The following is an entry in ClinVar:

NM_001244926.2(PRPF4):c.556C>T (p.Pro186Ser)

Gene: PRPF4 (pre-mRNA splicing tri-snRNP complex factor PRPF4; plus strand). Cytogenetic location: 9q32.
Variant type: single nucleotide variant.
Coding change: c.556C>T on transcript NM_001244926.2 (MANE Select); coding-DNA position 556, C replaced by T.
Protein change: p.Pro186Ser; replaces proline 186 with serine.
Molecular consequence: missense variant. On other transcripts: 5 prime UTR variant (2), non-coding transcript variant (2).
Genome position (GRCh38, 1-based): chr9:113,283,207, C>T. VCF-style: chr9-113283207-C-T. GRCh37 (hg19) VCF-style: chr9-116045487-C-T.
Other names: c.-210C>T (NM_001322266.2, NM_001322267.2); c.559C>T, p.Pro187Ser (NM_004697.5); short protein forms P186S, P187S.
Identifiers: ClinVar variation 3687688 (VCV003687688.2).

ClinVar aggregate classification (germline): Uncertain significance (1 of 4 stars; one submission).

gnomAD v4.1: 9 of 1,614,124 alleles (0.00056%); highest among the groups gnomAD compares: African/African-American, 0.011%; no homozygotes.

Submission:

Labcorp Genetics (formerly Invitae), Labcorp
Classification: Uncertain significance. Last evaluated: 2024-12-10. Review status: criteria provided, single submitter. Criteria: Invitae Variant Classification Sherloc (09022015). Collection method: clinical testing. Allele origin: germline.
Comment: This sequence change replaces proline, which is neutral and non-polar, with serine, which is neutral and polar, at codon 187 of the PRPF4 protein (p.Pro187Ser). This variant is present in population databases (rs187531407, gnomAD 0.008%). This variant has not been reported in the literature in individuals affected with PRPF4-related conditions. An algorithm developed to predict the effect of missense changes on protein structure and function (PolyPhen-2) suggests that this variant is likely to be disruptive. In summary, the available evidence is currently insufficient to determine the role of this variant in disease. Therefore, it has been classified as a Variant of Uncertain Significance.